The following is an entry in ClinVar:

ClinVar aggregate classification (germline): Uncertain significance (1 of 4 stars; one submission).

gnomAD v4.1: 17 of 1,598,556 alleles (0.0011%); highest among the groups gnomAD compares: South Asian, 0.012%; no homozygotes.

Submission:

Labcorp Genetics (formerly Invitae), Labcorp
Classification: Uncertain significance. Last evaluated: 2022-03-29. Review status: criteria provided, single submitter. Criteria: Invitae Variant Classification Sherloc (09022015). Collection method: clinical testing. Allele origin: germline.
Comment: This sequence change replaces aspartic acid, which is acidic and polar, with asparagine, which is neutral and polar, at codon 5 of the XPA protein (p.Asp5Asn). This variant is present in population databases (rs574504791, gnomAD 0.02%). This variant has not been reported in the literature in individuals affected with XPA-related conditions. Experimental studies and prediction algorithms are not available or were not evaluated, and the functional significance of this variant is currently unknown. In summary, the available evidence is currently insufficient to determine the role of this variant in disease. Therefore, it has been classified as a Variant of Uncertain Significance.

NM_000380.4(XPA):c.13G>A (p.Asp5Asn)

Gene: XPA (XPA, DNA damage recognition and repair factor; minus strand). Cytogenetic location: 9q22.33.
Variant type: single nucleotide variant.
Coding change: c.13G>A on transcript NM_000380.4 (MANE Select); coding-DNA position 13, G replaced by A.
Protein change: p.Asp5Asn; replaces aspartic acid 5 with asparagine.
Molecular consequence: missense variant. On other transcripts: 5 prime UTR variant (1), non-coding transcript variant (5).
Genome position (GRCh38, 1-based): chr9:97,697,280, C>T on the plus strand (G>A on the coding strand, the complement: XPA is on the minus strand). VCF-style: chr9-97697280-C-T. GRCh37 (hg19) VCF-style: chr9-100459562-C-T.
Other names: c.-1137G>A (NM_001354975.2); short protein forms D5N.
Identifiers: ClinVar variation 2119534 (VCV002119534.1), dbSNP rs574504791, ClinGen allele CA5148943.
Genomic context (GRCh38, chr9:97,697,280, plus strand): 5'-GCACCGAGGCAGGCAGCTCCGCGGGTTGCTCTAAAGCCGCCGCCTCCGGCAAAGCCCCGT[C>T]GGCCGCCGCCATCTCTGGCCCACTCCGAGGACCTAGCTCCCAGCTCCACGCACGCGCACT-3'
Protein context (NP_000371.1, residues 1-15): MAAA[Asp5Asn]GALPEAAALE